The following is an entry in ClinVar:

ClinVar aggregate classification (germline): Likely benign. Review status: criteria provided, multiple submitters, no conflicts (2 of 4 stars). 4 submissions from 4 submitters: Likely benign (3). 1 of the submissions does not count toward it. Last evaluated 2026-05-26.

Conditions:
Adams-Oliver syndrome 5 (AOS5). Identifiers: Orphanet 974, MedGen C4014970, MONDO:0014459, OMIM 616028.
Familial thoracic aortic aneurysm and aortic dissection (TAAD). Also called: Thoracic aortic aneurysms and dissections. Identifiers: Orphanet 91387, MedGen C4707243, MONDO:0019625.

Allele frequency attached by ClinVar (database versions not stated): TOPMed 0.00012; 1000 Genomes Project 0.00020; ESP Exome Variant Server 0.00021; 1000 Genomes Project 30x 0.00031; ExAC below 0.00001; gnomAD exomes 0.00007; gnomAD 0.00012.
gnomAD v4.1: 50 of 1,511,892 alleles (0.0033%); highest among the groups gnomAD compares: African/African-American, 0.032%; no homozygotes.

Submissions (4):

Ambry Genetics
Classification: Likely benign for Familial thoracic aortic aneurysm and aortic dissection. Last evaluated: 2026-05-26. Review status: criteria provided, single submitter. Criteria: Ambry Variant Classification Scheme 2023. Collection method: clinical testing. Allele origin: germline.

Labcorp Genetics (formerly Invitae), Labcorp
Classification: Likely benign for Adams-Oliver syndrome 5. Last evaluated: 2025-11-25. Review status: criteria provided, single submitter. Criteria: Invitae Variant Classification Sherloc (09022015). Collection method: clinical testing. Allele origin: germline.

Blueprint Genetics
Classification: Likely benign. Last evaluated: 2022-06-08. Review status: criteria provided, single submitter. Criteria: ACMG Guidelines, 2015. Collection method: clinical testing. Allele origin: germline.

ITMI
No classification provided. Condition: AllHighlyPenetrant. Last evaluated: 2013-09-19. Review status: no classification provided. Collection method: reference population. Allele origin: germline. Not counted in ClinVar's aggregate classification.
Comment: Please see associated publication for description of ethnicities

Literature cited by the submitters: PubMed 24728327 (cited by ITMI).

NM_017617.5(NOTCH1):c.5015G>A (p.Arg1672His)

Gene: NOTCH1 (notch receptor 1; minus strand). Cytogenetic location: 9q34.3.
Variant type: single nucleotide variant.
Coding change: c.5015G>A on transcript NM_017617.5 (MANE Select); coding-DNA position 5015, G replaced by A.
Protein change: p.Arg1672His; replaces arginine 1672 with histidine.
Molecular consequence: missense variant.
Genome position (GRCh38, 1-based): chr9:136,504,676, C>T on the plus strand (G>A on the coding strand, the complement: NOTCH1 is on the minus strand). VCF-style: chr9-136504676-C-T. GRCh37 (hg19) VCF-style: chr9-139399128-C-T.
Other names: c.5015G>A, p.Arg1672His (LRG_1122t1); short protein forms R1672H.
Identifiers: ClinVar variation 134941 (VCV000134941.14), dbSNP rs372830543, ClinGen allele CA161209.